The following is an entry in ClinVar:

ClinVar aggregate classification (germline): Uncertain significance (1 of 4 stars; one submission).

Conditions:
Hereditary pancreatitis (PCTT). Also called: Hereditary chronic pancreatitis; PRSS1-Related Hereditary Pancreatitis. Identifiers: Orphanet 676, MedGen C0238339, MONDO:0008185, OMIM 167800.

gnomAD v4.1: 2 of 1,614,170 alleles (0.00012%); highest among the groups gnomAD compares: Non-Finnish European, 0.00017%; no homozygotes.

Submission:

Ambry Genetics
Classification: Uncertain significance for Hereditary pancreatitis. Last evaluated: 2024-02-16. Review status: criteria provided, single submitter. Criteria: Ambry Variant Classification Scheme 2023. Collection method: clinical testing. Allele origin: germline.
Comment: The p.H183Q variant (also known as c.549C>A), located in coding exon 6 of the CTRC gene, results from a C to A substitution at nucleotide position 549. The histidine at codon 183 is replaced by glutamine, an amino acid with highly similar properties. This amino acid position is conserved. In addition, this alteration is predicted to be tolerated by in silico analysis. Based on the available evidence, the clinical significance of this alteration remains unclear.

NM_007272.3(CTRC):c.549C>A (p.His183Gln)

Gene: CTRC (chymotrypsin C; plus strand). Cytogenetic location: 1p36.21.
Variant type: single nucleotide variant.
Coding change: c.549C>A on transcript NM_007272.3 (MANE Select); coding-DNA position 549, C replaced by A.
Protein change: p.His183Gln; replaces histidine 183 with glutamine.
Molecular consequence: missense variant.
Genome position (GRCh38, 1-based): chr1:15,444,661, C>A. VCF-style: chr1-15444661-C-A. GRCh37 (hg19) VCF-style: chr1-15771156-C-A.
Other names: short protein forms H183Q.
Identifiers: ClinVar variation 3226080 (VCV003226080.1), dbSNP rs554399153, ClinGen allele CA338567131.